The following is an entry in ClinVar:

ClinVar aggregate classification (germline): Uncertain significance. Review status: criteria provided, multiple submitters, no conflicts (2 of 4 stars). 3 submissions from 3 submitters: Uncertain significance (3). Last evaluated 2025-04-16.

Conditions:
Hereditary cancer-predisposing syndrome. Also called: Neoplastic Syndromes, Hereditary; Tumor predisposition; Hereditary neoplastic syndrome; Hereditary Cancer Syndrome. Identifiers: Orphanet 140162, MedGen C0027672, MeSH D009386, MONDO:0015356.
Endometrial carcinoma. Also called: Endometrial carcinoma, somatic. Identifiers: MedGen C0476089, MONDO:0002447, OMIM 608089, HP:0012114.

Allele frequency attached by ClinVar (database versions not stated): gnomAD exomes below 0.00001 and 0.00001; ExAC 0.00001; gnomAD 0.00001; TOPMed 0.00001.
gnomAD v4.1: 3 of 1,613,788 alleles (0.00019%); highest among the groups gnomAD compares: African/African-American, 0.004%; no homozygotes.

Submissions (3):

Labcorp Genetics (formerly Invitae), Labcorp
Classification: Uncertain significance. Last evaluated: 2025-04-16. Review status: criteria provided, single submitter. Criteria: Invitae Variant Classification Sherloc (09022015). Collection method: clinical testing. Allele origin: germline.
Comment: This sequence change replaces alanine, which is neutral and non-polar, with threonine, which is neutral and polar, at codon 161 of the MSH3 protein (p.Ala161Thr). This variant is present in population databases (rs759608517, gnomAD 0.01%). This variant has not been reported in the literature in individuals affected with MSH3-related conditions. ClinVar contains an entry for this variant (Variation ID: 825207). An algorithm developed to predict the effect of missense changes on protein structure and function (PolyPhen-2) suggests that this variant is likely to be tolerated. In summary, the available evidence is currently insufficient to determine the role of this variant in disease. Therefore, it has been classified as a Variant of Uncertain Significance.

Baylor Genetics
Classification: Uncertain significance for Endometrial carcinoma. Last evaluated: 2023-10-30. Review status: criteria provided, single submitter. Criteria: ACMG Guidelines, 2015. Collection method: clinical testing. Allele origin: unknown.

Ambry Genetics
Classification: Uncertain significance for Hereditary cancer-predisposing syndrome. Last evaluated: 2019-06-19. Review status: criteria provided, single submitter. Criteria: Ambry Variant Classification Scheme 2023. Collection method: clinical testing. Allele origin: germline.
Comment: The p.A161T variant (also known as c.481G>A), located in coding exon 3 of the MSH3 gene, results from a G to A substitution at nucleotide position 481. The alanine at codon 161 is replaced by threonine, an amino acid with similar properties. This amino acid position is well conserved in available vertebrate species. In addition, this alteration is predicted to be tolerated by in silico analysis. Since supporting evidence is limited at this time, the clinical significance of this alteration remains unclear.

NM_002439.5(MSH3):c.481G>A (p.Ala161Thr)

Gene: MSH3 (mutS homolog 3; plus strand). Cytogenetic location: 5q14.1.
Variant type: single nucleotide variant.
Coding change: c.481G>A on transcript NM_002439.5 (MANE Select); coding-DNA position 481, G replaced by A.
Protein change: p.Ala161Thr; replaces alanine 161 with threonine.
Molecular consequence: missense variant.
Genome position (GRCh38, 1-based): chr5:80,665,265, G>A. VCF-style: chr5-80665265-G-A. GRCh37 (hg19) VCF-style: chr5-79961084-G-A.
Other names: short protein forms A161T.
Identifiers: ClinVar variation 825207 (VCV000825207.15), dbSNP rs759608517, ClinGen allele CA3327610.